The following is an entry in ClinVar:

ClinVar aggregate classification (germline): Pathogenic. Review status: criteria provided, multiple submitters, no conflicts (2 of 4 stars). 13 submissions from 13 submitters: Pathogenic (9). 4 of the submissions do not count toward it. Last evaluated 2025-07-03.

Conditions:
Megacystis-microcolon-intestinal hypoperistalsis syndrome 5. Identifiers: MedGen C5543636, MONDO:0030329, OMIM 619431.
ACTG2-related disorder. Also called: ACTG2-related condition.
Visceral myopathy 1 (VSCM1). Also called: Visceral myopathy; Infantile visceral myopathy; ACTG2 Visceral Myopathy. Identifiers: Orphanet 2604, MedGen C5542197, MONDO:0020754, OMIM 155310.

Submissions (13):

Victorian Clinical Genetics Services, Murdoch Childrens Research Institute
Classification: Pathogenic for Megacystis-microcolon-intestinal hypoperistalsis syndrome 5. Last evaluated: 2025-07-03. Review status: criteria provided, single submitter. Criteria: ACMG Guidelines, 2015. Collection method: clinical testing. Allele origin: germline. Affected: yes.
Comment: This variant is classified as Pathogenic. Evidence in support of pathogenic classification: Variant is absent from gnomAD (v2, v3 and v4); This variant has strong previous evidence of pathogenicity in unrelated individuals. This variant has been classified as pathogenic by clinical laboratories in ClinVar. - Other missense variants comparable to the one identified in this case have strong previous evidence for pathogenicity. The p.(Arg178His), p.(Arg178Leu) and p.(Arg178Ser) variants have been classified as pathogenic by clinical laboratories in ClinVar; Missense variant predicted to be damaging by in silico tool(s) or highly conserved with a major amino acid change; Additional information: Variant is predicted to result in a missense amino acid change from Arg to Cys; This variant is heterozygous; This gene is associated with autosomal dominant disease; Variant is located in the annotated actin domain (DECIPHER). - Dominant negative has been suggested as a mechanism of disease in this gene and is associated with visceral myopathy 1 (MIM#155310), a phenotype which encompasses megacystic microcolon intestinal hypoperistalsis syndrome (MMIHS; MIM#619431), and chronic intestinal pseudoobstruction (CIPO) (PMIDs: 26072522, 26647307, 32814715); Variants in this gene are known to have variable expressivity. Intra-familial clinical variability has been reported (OMIM, PMID: 26072522).

Variantyx, Inc.
Classification: Pathogenic for Visceral myopathy 1. Last evaluated: 2025-06-03. Review status: criteria provided, single submitter. Criteria: Variantyx Assertion Criteria 2022. Collection method: clinical testing. Allele origin: de novo. Inheritance: Autosomal dominant inheritance. Affected: yes.
Comment: This is a nonsynonymous variant in the ACTG2 gene (OMIM: 102545). Pathogenic variants in this gene have been associated with autosomal dominant ACTG2-visceral myopathy. This variant has been reported in many unrelated affected individuals (PMID: 32621347, 35695198) (PS4_Moderate), and likely occurred de novo in the current proband and individuals reported in the published literature; however, the possibility of parental germline mosaicism cannot be excluded (PMID: 24337657, 24676022, 26647307, 27481187, 35149643) (PS2_Very_Strong). Functional studies have shown that this variant alters ACTG2 protein function (PMID: 24337657, 26647307, 38820162) (PS3_Moderate), and multiple computational algorithms predict a deleterious effect for this variant (REVEL score: 0.980) (PP3). Moreocer, alternate amino acid changes at this position (p.Arg178Leu, p.Arg178His) have been previously reported in similarly affected individuals, which suggests that this residue is biologically important (PM5). This variant is absent from control populations (PM2). Based on the current evidence, this variant is classified as pathogenic for autosomal dominant ACTG2-visceral myopathy.

Blueprint Genetics
Classification: Pathogenic for ACTG2-related disorders. Last evaluated: 2023-05-17. Review status: criteria provided, single submitter. Criteria: ACMG Guidelines, 2015. Collection method: clinical testing. Allele origin: germline. Affected: yes. Observed: 1 variant allele.

GeneDx
Classification: Pathogenic. Last evaluated: 2022-03-10. Review status: criteria provided, single submitter. Criteria: GeneDx Variant Classification Process June 2021. Collection method: clinical testing. Allele origin: germline. Affected: yes.
Comment: Published functional studies demonstrate a lack of mutant protein co-localization with actin filaments and decreased collagen contraction capacity (Halim et al., 2016; Thorson et al., 2014); In silico analysis, which includes protein predictors and evolutionary conservation, supports a deleterious effect; Not observed at significant frequency in large population cohorts (gnomAD); This variant is associated with the following publications: (PMID: 26813947, 26647307, 24337657, 24676022, 27481187, 32621347, 34980693)

Institute of Medical Genetics and Applied Genomics, University Hospital Tübingen
Classification: Pathogenic. Last evaluated: 2020-10-23. Review status: criteria provided, single submitter. Criteria: ACMG Guidelines, 2015. Collection method: clinical testing. Allele origin: germline. Inheritance: Autosomal dominant inheritance. Affected: yes.

CeGaT Center for Human Genetics Tuebingen
Classification: Pathogenic. Last evaluated: 2020-07-01. Review status: criteria provided, single submitter. Criteria: CeGaT Center For Human Genetics Tuebingen Variant Classification Criteria Version 2. Collection method: clinical testing. Allele origin: germline. Affected: yes. Observed: 1 variant allele.

Fulgent Genetics
Classification: Pathogenic for Visceral myopathy 1. Last evaluated: 2018-10-31. Review status: criteria provided, single submitter. Criteria: ACMG Guidelines, 2015. Collection method: clinical testing. Allele origin: unknown.

Lupski Lab, Baylor-Hopkins CMG, Baylor College of Medicine
Classification: Pathogenic for Visceral myopathy 1. Last evaluated: 2014-03-27. Review status: criteria provided, single submitter. Criteria: Wangler et al. PLoS Gen 2014. Collection method: research. Allele origin: de novo. Inheritance: Autosomal dominant inheritance. Affected: yes. Observed: 1 heterozygote. Study: MMIHS_WES. Segregation with disease not observed.

Seattle Children's Hospital Molecular Genetics Laboratory, Seattle Children's Hospital
Classification: Pathogenic for Megacystis-microcolon-intestinal hypoperistalsis syndrome 5. Review status: criteria provided, single submitter. Criteria: ACMG Guidelines, 2015. Collection method: clinical testing. Allele origin: unknown. Inheritance: Autosomal dominant inheritance. Affected: yes.
Comment: The p.Arg178Cys variant (c.532C>T, exon 6) is a recurrent variant that has previously been reported in multiple individuals with MMIHS (PMID: 26647307, PMID: 24337657, PMID: 24676022, PMID: 27481187). The p.Arg178Cys variant is absent from large population cohorts (gnomAD v2.1.1). Further supporting pathogenicity, other missense changes at this same residue (p.Arg178His, p.Arg178Leu, p.Arg178Ser) have also been reported as de novo changes in patients with sporadic MMIHS (PMID: 26647307, PMID: 24337657, PMID: 27481187, PMID: 25998219, PMID: 29608093).

PreventionGenetics, part of Exact Sciences
Classification: Pathogenic for ACTG2-related condition. Last evaluated: 2024-02-17. Review status: no assertion criteria provided. Collection method: clinical testing. Allele origin: germline. Not counted in ClinVar's aggregate classification.
Comment: The ACTG2 c.532C>T variant is predicted to result in the amino acid substitution p.Arg178Cys. This variant was reported in individuals with megacystis-microcolon-intestinal hypoperistalsis syndrome, including multiple de novo cases (Thorson et al. 2014. PubMed ID: 24337657; Wangler et al. 2014. PubMed ID: 24676022; Halim et al. 2015. PubMed ID: 26647307; Moreno et al. 2016. PubMed ID: 27481187). Functional studies showed that this variant impaired polymerization and reduced cell contractility (Halim et al. 2016. PubMed ID: 26647307). This variant has not been reported in a large population database, indicating this variant is rare. This variant is interpreted as pathogenic.

UOSD Genetics and Genomics of Rare Diseases, Istituto Giannina Gaslini
Classification: Pathogenic for Megacystis, microcolon, hypoperistalsis syndrome. Last evaluated: 2015-05-02. Review status: no assertion criteria provided. Collection method: research. Allele origin: germline. Affected: yes. Not counted in ClinVar's aggregate classification.

OMIM
Classification: Pathogenic for MEGACYSTIS-MICROCOLON-INTESTINAL HYPOPERISTALSIS SYNDROME 5. Last evaluated: 2014-06-01. Review status: no assertion criteria provided. Collection method: literature only. Allele origin: germline. Not counted in ClinVar's aggregate classification.

GeneReviews
No classification provided. Condition: Visceral myopathy 1. Review status: no classification provided. Collection method: literature only. Allele origin: germline. Not counted in ClinVar's aggregate classification.
Comment: High rate of a poor outcome (mortality and/or multivisceral transplantation) or microcolon

Literature cited by the submitters: PubMed 26072522 (cited by 3 submitters); PubMed 32814715 (cited by Victorian Clinical Genetics Services, Murdoch Childrens Research Institute); PubMed 26647307 (cited by 4 submitters); PubMed 24337657 (cited by 4 submitters); PubMed 38820162 (cited by Variantyx, Inc.); PubMed 24676022 (cited by 4 submitters); PubMed 27481187 (cited by 3 submitters); PubMed 35149643 (cited by Variantyx, Inc.); PubMed 32621347 (cited by Variantyx, Inc.); PubMed 35695198 (cited by Variantyx, Inc.); PubMed 25998219 (cited by Seattle Children's Hospital Molecular Genetics Laboratory, Seattle Children's Hospital and UOSD Genetics and Genomics of Rare Diseases, Istituto Giannina Gaslini); PubMed 29608093 (cited by Seattle Children's Hospital Molecular Genetics Laboratory, Seattle Children's Hospital); PubMed 26813947 (cited by UOSD Genetics and Genomics of Rare Diseases, Istituto Giannina Gaslini); PubMed 31769566 (cited by GeneReviews).

NM_001615.4(ACTG2):c.532C>T (p.Arg178Cys)

Gene: ACTG2 (actin gamma 2, smooth muscle; plus strand). Cytogenetic location: 2p13.1.
Variant type: single nucleotide variant.
Coding change: c.532C>T on transcript NM_001615.4 (MANE Select); coding-DNA position 532, C replaced by T.
Protein change: p.Arg178Cys; replaces arginine 178 with cysteine.
Molecular consequence: missense variant.
Genome position (GRCh38, 1-based): chr2:73,913,565, C>T. VCF-style: chr2-73913565-C-T. GRCh37 (hg19) VCF-style: chr2-74140692-C-T.
Other names: c.403C>T, p.Arg135Cys (NM_001199893.2); short protein forms R178C, R135C.
Identifiers: ClinVar variation 132800 (VCV000132800.54), dbSNP rs78001248, ClinGen allele CA332119.